The following is an entry in ClinVar:

ClinVar aggregate classification (germline): Likely benign (1 of 4 stars; one submission).

gnomAD v4.1: 22 of 1,614,110 alleles (0.0014%); highest among the groups gnomAD compares: Admixed American, 0.005%; no homozygotes.

Submission:

CeGaT Center for Human Genetics Tuebingen
Classification: Likely benign. Last evaluated: 2026-06-01. Review status: criteria provided, single submitter. Criteria: CeGaT Center For Human Genetics Tuebingen Variant Classification Criteria Version 2. Collection method: clinical testing. Allele origin: germline. Affected: yes. Observed: 1 variant allele.
Comment: AGO2: BP4, BP7

NM_012154.5(AGO2):c.615C>T (p.Ser205=)

Genes: AGO2 (argonaute RISC catalytic component 2; minus strand), LOC126860545 (MED14-independent group 3 enhancer GRCh37_chr8:141569579-141570778; plus strand). Cytogenetic location: 8q24.3.
Variant type: single nucleotide variant.
Coding change: c.615C>T on transcript NM_012154.5 (MANE Select); coding-DNA position 615, C replaced by T.
Protein change: p.Ser205=; no amino-acid change (serine 205 retained).
Molecular consequence: synonymous variant.
Genome position (GRCh38, 1-based): chr8:140,560,414, G>A on the plus strand (C>T on the coding strand, the complement: AGO2 is on the minus strand). VCF-style: chr8-140560414-G-A. GRCh37 (hg19) VCF-style: chr8-141570513-G-A.
Other names: c.615C>T, p.Ser205= (NM_001164623.3).
Identifiers: ClinVar variation 4873537 (VCV004873537.2).